The following is an entry in ClinVar:

NM_152564.5(VPS13B):c.627A>G (p.Thr209=)

Gene: VPS13B (vacuolar protein sorting 13 homolog B; plus strand). Cytogenetic location: 8q22.2.
Variant type: single nucleotide variant.
Coding change: c.627A>G on transcript NM_152564.5 (MANE Select); coding-DNA position 627, A replaced by G.
Protein change: p.Thr209=; no amino-acid change (threonine 209 retained).
Molecular consequence: synonymous variant. On other transcripts: non-coding transcript variant (1).
Genome position (GRCh38, 1-based): chr8:99,111,144, A>G. VCF-style: chr8-99111144-A-G. GRCh37 (hg19) VCF-style: chr8-100123372-A-G.
Other names: c.627A>G (NM_152564.4); c.627A>G, p.Thr209= (NM_015243.3, NM_017890.5, NM_181661.3).
Identifiers: ClinVar variation 1542645 (VCV001542645.9), dbSNP rs2132481722, ClinGen allele CA462421430.
Genomic context (GRCh38, chr8:99,111,144, plus strand): 5'-TTTTTTCTTTTTAGCAACTGATTTGGTGCTGAGAAAGGTTATCAATTTTTCTGACTGTAC[A>G]GTTTGTCTTGATAAACGGAATGCCAGTGGTAAAATAGAATTTTACCAGGATCCTTTATTA-3'
Protein context (NP_689777.3, residues 199-219): LRKVINFSDC[Thr209=]VCLDKRNASG

ClinVar aggregate classification (germline): Likely benign. Review status: criteria provided, multiple submitters, no conflicts (2 of 4 stars). 2 submissions from 2 submitters: Likely benign (2). Last evaluated 2025-02-07.

Conditions:
VPS13B-related disorder. Also called: VPS13B-related condition.
Cohen syndrome (COH1). Also called: Cutis verticis gyrata, retinitis pigmentosa, and sensorineural deafness; PEPPER SYNDROME. Identifiers: Orphanet 193, MedGen C0265223, MONDO:0008999, OMIM 216550.

Allele frequency attached by ClinVar (database versions not stated): gnomAD exomes below 0.00001.
gnomAD v4.1: 4 of 1,607,564 alleles (0.00025%); highest among the groups gnomAD compares: Non-Finnish European, 0.00034%; no homozygotes.

Submissions (2):

PreventionGenetics, part of Exact Sciences
Classification: Likely benign for VPS13B-related condition. Last evaluated: 2025-02-07. Review status: criteria provided, single submitter. Criteria: ACMG Guidelines, 2015. Collection method: clinical testing. Allele origin: germline.
Comment: This variant is classified as likely benign based on ACMG/AMP sequence variant interpretation guidelines (Richards et al. 2015 PMID: 25741868, with internal and published modifications).

Labcorp Genetics (formerly Invitae), Labcorp
Classification: Likely benign for Cohen syndrome. Last evaluated: 2024-08-05. Review status: criteria provided, single submitter. Criteria: Invitae Variant Classification Sherloc (09022015). Collection method: clinical testing. Allele origin: germline.